The following is an entry in ClinVar:

NM_000051.4(ATM):c.3091del (p.Glu1031fs)

Gene: ATM (ATM serine/threonine kinase; plus strand). Cytogenetic location: 11q22.3.
Variant type: Deletion.
Coding change: c.3091del on transcript NM_000051.4 (MANE Select); coding-DNA position 3091, one base deleted (G; older notation c.3091delG).
Protein change: p.Glu1031fs; shifts the reading frame from glutamic acid 1031.
Molecular consequence: frameshift variant.
Genome position (GRCh38, 1-based): chr11:108,272,545, G deleted; the last of 2 consecutive G bases (chr11:108,272,544-108,272,545); deleting either gives the same sequence. VCF-style (leftmost placement, unchanged base first): chr11-108272543-AG-A. GRCh37 (hg19) VCF-style: chr11-108143270-AG-A.
Other names: c.3091del, p.Glu1031fs (NM_001351834.2); short protein forms E1031fs.
Identifiers: ClinVar variation 1398236 (VCV001398236.6), dbSNP rs2135565314, ClinGen allele CA2573146623.

ClinVar aggregate classification (germline): Pathogenic (1 of 4 stars; one submission).

Conditions:
Ataxia-telangiectasia syndrome (AT). Also called: Ataxia-telangiectasia, complementation group D; AT, COMPLEMENTATION GROUP C; Ataxia-telangiectasia; Ataxia telangiectasia (A-T); Ataxia-telangiectasia, complementation group E; Cerebello-oculocutaneous telangiectasia. Identifiers: Orphanet 100, MedGen C0004135, MONDO:0008840, OMIM 208900.

Submission:

Labcorp Genetics (formerly Invitae), Labcorp
Classification: Pathogenic for Ataxia-telangiectasia syndrome. Last evaluated: 2021-08-22. Review status: criteria provided, single submitter. Criteria: Invitae Variant Classification Sherloc (09022015). Collection method: clinical testing. Allele origin: germline.
Comment: For these reasons, this variant has been classified as Pathogenic. This variant has not been reported in the literature in individuals affected with ATM-related conditions. This variant is not present in population databases (ExAC no frequency). This sequence change creates a premature translational stop signal (p.Glu1031Argfs*8) in the ATM gene. It is expected to result in an absent or disrupted protein product. Loss-of-function variants in ATM are known to be pathogenic (PMID: 23807571, 25614872).

Literature cited by the submitters: PubMed 23807571; PubMed 25614872.